The following is an entry in ClinVar:

NM_020738.4(KIDINS220):c.4307_4308del (p.Gly1436fs)

Gene: KIDINS220 (kinase D interacting substrate 220; minus strand). Cytogenetic location: 2p25.1.
Variant type: Deletion.
Coding change: c.4307_4308del on transcript NM_020738.4 (MANE Select); coding-DNA positions 4307 to 4308, 2 bases deleted (GG; older notation c.4307_4308delGG).
Protein change: p.Gly1436fs; shifts the reading frame from glycine 1436.
Molecular consequence: frameshift variant. On other transcripts: intron variant (6).
Genome position (GRCh38, 1-based): chr2:8,731,728-8,731,729, CC deleted on the plus strand (GG on the coding strand, the reverse complement: KIDINS220 is on the minus strand); deleting any 2 consecutive bases within chr2:8,731,728-8,731,731 gives the same sequence; the c. name uses the placement nearest the transcript's 3' end. VCF-style (leftmost placement, unchanged base first): chr2-8731727-TCC-T. GRCh37 (hg19) VCF-style: chr2-8871857-TCC-T.
Other names: c.4310_4311del, p.Gly1437fs (NM_001348729.2); c.4253_4254del, p.Gly1418fs (NM_001348731.2); c.4250_4251del, p.Gly1417fs (NM_001348732.2); c.4139_4140del, p.Gly1380fs (NM_001348734.2); c.4136_4137del, p.Gly1379fs (NM_001348735.2); c.4010_4011del, p.Gly1337fs (NM_001348736.2); c.3882+1715_3882+1716del (NM_001348741.2, NM_001348742.2, NM_001348743.2); c.3996+1715_3996+1716del (NM_001348738.2); and 1 more; short protein forms G1337fs, G1379fs, G1380fs, G1417fs, G1418fs, G1436fs, G1437fs.
Identifiers: ClinVar variation 4822897 (VCV004822897.4).
Genomic context (GRCh38, chr2:8,731,727, plus strand): 5'-CATCTCCCCTCTTCATTAGAAAGGACTTCCTCCCATCATCGGGCTTTGGTTCACTATCCT[TCC>T]CCTTTTCTTGCTCTAGGTTTGAATGAATAGAGCCCCCTGATGAACTCTGACCCATGTAAT-3'

ClinVar aggregate classification (germline): Likely pathogenic (1 of 4 stars; one submission).

Submission:

CeGaT Center for Human Genetics Tuebingen
Classification: Likely pathogenic. Last evaluated: 2025-12-01. Review status: criteria provided, single submitter. Criteria: CeGaT Center For Human Genetics Tuebingen Variant Classification Criteria Version 2. Collection method: clinical testing. Allele origin: germline. Affected: yes. Observed: 1 variant allele.
Comment: KIDINS220: PVS1:Strong, PM2